The following is an entry in ClinVar:

ClinVar aggregate classification (germline): Likely benign (1 of 4 stars; one submission).

Conditions:
Saethre-Chotzen syndrome (SCS). Also called: ACROCEPHALY, SKULL ASYMMETRY, AND MILD SYNDACTYLY; ACS III; CHOTZEN SYNDROME. Identifiers: Orphanet 794, MedGen C0175699, MONDO:0007042, OMIM 101400.

Allele frequency attached by ClinVar (database versions not stated): gnomAD 0.00007; TOPMed 0.00007; gnomAD exomes 0.00008.

Submission:

Victorian Clinical Genetics Services, Murdoch Childrens Research Institute
Classification: Likely benign for Saethre-Chotzen syndrome. Last evaluated: 2021-05-06. Review status: criteria provided, single submitter. Criteria: ACMG Guidelines, 2015. Collection method: clinical testing. Allele origin: germline. Inheritance: Autosomal dominant inheritance.
Comment: Based on the classification scheme VCGS_Germline_v1.3.3, this variant is classified as likely benign. Following criteria are met: 0103 - Loss of function is a known mechanism of disease in this gene and is associated with Saethre-Chotzen syndrome with or without eyelid anomalies (MIM#101400). Dominant negative has been suggested as a mechanism of disease and is associated with Sweeney-Cox syndrome (MIM#617746) (OMIM, PMID: 28369379). (I) 0107 - This gene is associated with autosomal dominant disease. (I) 0200 - Variant is predicted to result in a missense amino acid change from glycine to alanine. (I) 0251 - This variant is heterozygous. (I) 0308 - Population frequency for this variant is out of keeping with known incidence of autosomal dominant Saethre-Chotzen syndrome with or without eyelid anomalies (MIM#101400) (9 heterozygotes, 0 homozygotes). (SB) 0502 - Missense variant with conflicting in silico predictions and uninformative conservation. (I) 0604 - Variant is not located in an established domain, motif, hotspot or informative constraint region. This variant is not located in the HLH domain where the majority of pathogenic missense variants occur (Decipher). (I) 0705 - No comparable missense variants have previous evidence for pathogenicity. (I) 0809 - Previous evidence of pathogenicity for this variant is inconclusive. This variant was identified in at least one individual with metopic craniosynostosis however, the authors did not provide a classification (PMID: 17651129). (I) 0905 - No published segregation evidence has been identified for this variant. (I) 1007 - No published functional evidence has been identified for this variant. (I) 1208 - Inheritance information for this variant is not currently available in this individual. (I) Legend: (SP) - Supporting pathogenic, (I) - Information, (SB) - Supporting benign

Literature cited by the submitters: PubMed 17651129; PubMed 28369379.

NM_000474.4(TWIST1):c.200G>C (p.Gly67Ala)

Gene: TWIST1 (twist family bHLH transcription factor 1; minus strand). Cytogenetic location: 7p21.1.
Variant type: single nucleotide variant.
Coding change: c.200G>C on transcript NM_000474.4 (MANE Select); coding-DNA position 200, G replaced by C.
Protein change: p.Gly67Ala; replaces glycine 67 with alanine.
Molecular consequence: missense variant. On other transcripts: non-coding transcript variant (1).
Genome position (GRCh38, 1-based): chr7:19,117,122, C>G on the plus strand (G>C on the coding strand, the complement: TWIST1 is on the minus strand). VCF-style: chr7-19117122-C-G. GRCh37 (hg19) VCF-style: chr7-19156745-C-G.
Other names: short protein forms G67A.
Identifiers: ClinVar variation 1806381 (VCV001806381.1), dbSNP rs888879704, ClinGen allele CA155466613.
Genomic context (GRCh38, chr7:19,117,122, plus strand): 5'-GCGCCGCCGCCGCCGCCACAGCCCGCAGACTTCTTGCCGCGCTTGCCCTGGGCCGGGCTG[C>G]CCGGCTCGTCGCCGCCTCCGACGCCCCCACCCGCGGCTCCGCCGGGCCCCGCGCCGCCGC-3'
Protein context (NP_000465.1, residues 57-77): GGGVGGGDEP[Gly67Ala]SPAQGKRGKK